The following is an entry in ClinVar:

NM_000254.3(MTR):c.2349C>T (p.Asp783=)

Gene: MTR (5-methyltetrahydrofolate-homocysteine methyltransferase; plus strand). Cytogenetic location: 1q43.
Variant type: single nucleotide variant.
Coding change: c.2349C>T on transcript NM_000254.3 (MANE Select); coding-DNA position 2349, C replaced by T.
Protein change: p.Asp783=; no amino-acid change (aspartic acid 783 retained).
Molecular consequence: synonymous variant.
Genome position (GRCh38, 1-based): chr1:236,863,498, C>T. VCF-style: chr1-236863498-C-T. GRCh37 (hg19) VCF-style: chr1-237026798-C-T.
Other names: c.2196C>T, p.Asp732= (NM_001291939.1); c.1128C>T, p.Asp376= (NM_001291940.2).
Identifiers: ClinVar variation 506534 (VCV000506534.37), dbSNP rs150734119, ClinGen allele CA1474360.

ClinVar aggregate classification (germline): Benign/Likely benign. Review status: criteria provided, multiple submitters, no conflicts (2 of 4 stars). 5 submissions from 5 submitters: Benign (1); Likely benign (4). Last evaluated 2026-01-27.

Conditions:
Methylcobalamin deficiency type cblG (HMAG). Also called: HOMOCYSTINURIA-MEGALOBLASTIC ANEMIA, cblG COMPLEMENTATION TYPE; HOMOCYSTINURIA-MEGALOBLASTIC ANEMIA, cblG TYPE; Functional methionine synthase deficiency type cblG; HOMOCYSTINURIA-MEGALOBLASTIC ANEMIA DUE TO DEFECT IN COBALAMIN METABOLISM, cblG COMPLEMENTATION TYPE. Identifiers: Orphanet 2170, Orphanet 622, MedGen C1855128, MONDO:0009609, OMIM 250940.

Allele frequency attached by ClinVar (database versions not stated): gnomAD exomes 0.00022 and 0.00063; ExAC 0.00074; 1000 Genomes Project 30x 0.00203; 1000 Genomes Project 0.00220; gnomAD 0.00245 and 0.00261; TOPMed 0.00270; ESP Exome Variant Server 0.00346.
gnomAD v4.1: 718 of 1,614,052 alleles (0.044%); highest among the groups gnomAD compares: African/African-American, 0.75%; 4 homozygotes.

Submissions (5):

Labcorp Genetics (formerly Invitae), Labcorp
Classification: Benign for Methylcobalamin deficiency type cblG. Last evaluated: 2026-01-27. Review status: criteria provided, single submitter. Criteria: Invitae Variant Classification Sherloc (09022015). Collection method: clinical testing. Allele origin: germline.

Blueprint Genetics
Classification: Likely benign. Last evaluated: 2024-11-01. Review status: criteria provided, single submitter. Criteria: ACMG Guidelines, 2015. Collection method: clinical testing. Allele origin: germline.

CeGaT Center for Human Genetics Tuebingen
Classification: Likely benign. Last evaluated: 2022-03-01. Review status: criteria provided, single submitter. Criteria: CeGaT Center For Human Genetics Tuebingen Variant Classification Criteria Version 2. Collection method: clinical testing. Allele origin: germline. Affected: yes. Observed: 1 variant allele.
Comment: MTR: BP4, BP7

GeneDx
Classification: Likely benign. Last evaluated: 2017-08-14. Review status: criteria provided, single submitter. Criteria: GeneDx Variant Classification (06012015). Collection method: clinical testing. Allele origin: germline. Affected: yes.
Comment: This variant is considered likely benign or benign based on one or more of the following criteria: it is a conservative change, it occurs at a poorly conserved position in the protein, it is predicted to be benign by multiple in silico algorithms, and/or has population frequency not consistent with disease.

Breakthrough Genomics
Classification: Likely benign. Review status: criteria provided, single submitter. Criteria: ACMG Guidelines, 2015. Collection method: not provided. Allele origin: germline. Inheritance: Autosomal recessive inheritance. Affected: yes.